The following is an entry in ClinVar:

NM_000548.5(TSC2):c.4315G>T (p.Gly1439Cys)

Gene: TSC2 (TSC complex subunit 2; plus strand). Cytogenetic location: 16p13.3.
Variant type: single nucleotide variant.
Coding change: c.4315G>T on transcript NM_000548.5 (MANE Select); coding-DNA position 4315, G replaced by T.
Protein change: p.Gly1439Cys; replaces glycine 1439 with cysteine.
Molecular consequence: missense variant. On other transcripts: non-coding transcript variant (5).
Genome position (GRCh38, 1-based): chr16:2,084,537, G>T. VCF-style: chr16-2084537-G-T. GRCh37 (hg19) VCF-style: chr16-2134538-G-T.
Other names: c.4114G>T, p.Gly1372Cys (NM_001077183.3); c.4246G>T, p.Gly1416Cys (NM_001114382.3); c.4006G>T, p.Gly1336Cys (NM_001318827.2); c.3970G>T, p.Gly1324Cys (NM_001318829.2); c.3583G>T, p.Gly1195Cys (NM_001318831.2); c.4147G>T, p.Gly1383Cys (NM_001318832.2); c.4117G>T, p.Gly1373Cys (NM_001363528.2); c.4183G>T, p.Gly1395Cys (NM_001370404.1); and 26 more; short protein forms G1172C, G1173C, G1195C, G1215C, G1216C, G1219C, G1239C, G1323C.
Identifiers: ClinVar variation 4756167 (VCV004756167.1).

ClinVar aggregate classification (germline): Uncertain significance (1 of 4 stars; one submission).

Conditions:
Tuberous sclerosis syndrome (TSC). Also called: Tuberous Sclerosis Complex; Tuberous sclerosis. Identifiers: Orphanet 805, MedGen C0041341, MONDO:0001734.

Submission:

Color Diagnostics, LLC DBA Color Health
Classification: Uncertain significance for Tuberous sclerosis syndrome. Last evaluated: 2025-08-14. Review status: criteria provided, single submitter. Criteria: ACMG Guidelines, 2015. Collection method: clinical testing. Allele origin: germline.
Comment: This missense variant replaces glycine with cysteine at codon 1439 of the TSC2 protein. Computational prediction suggests that this variant may not impact protein structure and function. To our knowledge, functional studies have not been reported for this variant. This variant has not been reported in individuals affected with TSC2-related disorders in the literature. This variant has not been identified in the general population by the Genome Aggregation Database (gnomAD). The available evidence is insufficient to determine the role of this variant in disease conclusively. Therefore, this variant is classified as a Variant of Uncertain Significance.